The following is an entry in ClinVar:

ClinVar aggregate classification (germline): Likely benign. Review status: criteria provided, multiple submitters, no conflicts (2 of 4 stars). 3 submissions from 3 submitters: Likely benign (3). Last evaluated 2024-07-05.

Conditions:
Hereditary breast ovarian cancer syndrome. Also called: Hereditary breast and ovarian cancer syndrome; BRCA1- and BRCA2-Associated Hereditary Breast and Ovarian Cancer; Hereditary breast and/or ovarian cancer syndrome; Hereditary breast and ovarian cancer syndrome (HBOC); Breast and ovarian cancer; Hereditary breast and ovarian cancer. Identifiers: Orphanet 145, MedGen C0677776, MeSH D061325, MONDO:0003582. Disease mechanism: loss of function.
BRCA2-related cancer predisposition. Identifiers: MedGen CN377758, MONDO:0700269.

Allele frequency attached by ClinVar (database versions not stated): gnomAD exomes below 0.00001; gnomAD 0.00001.
gnomAD v4.1: 3 of 1,613,056 alleles (0.00019%); highest among the groups gnomAD compares: East Asian, 0.0022%; no homozygotes.

Submissions (3):

Department of Pathology and Laboratory Medicine, Sinai Health System
Classification: Likely benign for BRCA2-related cancer predisposition. Last evaluated: 2024-07-05. Review status: criteria provided, single submitter. Criteria: ACMG Guidelines, 2015. Collection method: clinical testing. Allele origin: germline.

Labcorp Genetics (formerly Invitae), Labcorp
Classification: Likely benign for Hereditary breast ovarian cancer syndrome. Last evaluated: 2022-11-18. Review status: criteria provided, single submitter. Criteria: Invitae Variant Classification Sherloc (09022015). Collection method: clinical testing. Allele origin: germline.

GeneDx
Classification: Likely benign. Last evaluated: 2018-01-04. Review status: criteria provided, single submitter. Criteria: GeneDx Variant Classification (06012015). Collection method: clinical testing. Allele origin: germline. Affected: yes.
Comment: This variant is considered likely benign or benign based on one or more of the following criteria: it is a conservative change, it occurs at a poorly conserved position in the protein, it is predicted to be benign by multiple in silico algorithms, and/or has population frequency not consistent with disease.

NM_000059.4(BRCA2):c.5815T>C (p.Leu1939=)

Gene: BRCA2 (BRCA2 DNA repair associated; plus strand). Cytogenetic location: 13q13.1.
Variant type: single nucleotide variant.
Coding change: c.5815T>C on transcript NM_000059.4 (MANE Select); coding-DNA position 5815, T replaced by C.
Protein change: p.Leu1939=; no amino-acid change (leucine 1939 retained).
Molecular consequence: synonymous variant.
Genome position (GRCh38, 1-based): chr13:32,340,170, T>C. VCF-style: chr13-32340170-T-C. GRCh37 (hg19) VCF-style: chr13-32914307-T-C.
Identifiers: ClinVar variation 514577 (VCV000514577.5), dbSNP rs1171546018, ClinGen allele CA483438977.